The following is an entry in ClinVar:

NM_001001548.3(CD36):c.380C>G (p.Ser127Ter)

Gene: CD36 (CD36 molecule (CD36 blood group); plus strand). Cytogenetic location: 7q21.11.
Variant type: single nucleotide variant.
Coding change: c.380C>G on transcript NM_001001548.3 (MANE Select); coding-DNA position 380, C replaced by G.
Protein change: p.Ser127Ter; replaces serine 127 with a stop codon.
Molecular consequence: nonsense. On other transcripts: 5 prime UTR variant (2), non-coding transcript variant (1).
Genome position (GRCh38, 1-based): chr7:80,661,161, C>G. VCF-style: chr7-80661161-C-G. GRCh37 (hg19) VCF-style: chr7-80290477-C-G.
Other names: c.380C>G, p.Ser127Ter (NM_000072.3, NM_001001547.3, NM_001127443.2 and 7 more transcripts); c.152C>G, p.Ser51Ter (NM_001289911.2); c.278C>G, p.Ser93Ter (NM_001371079.1); c.-86C>G (NM_001371080.1); c.-103C>G (NM_001371081.1); short protein forms S127*, S51*, S93*.
Identifiers: ClinVar variation 632008 (VCV000632008.6), dbSNP rs201765331, ClinGen allele CA4315140.
Genomic context (GRCh38, chr7:80,661,161, plus strand): 5'-CTGAGGACAACACAGTCTCTTTCCTGCAGCCCAATGGTGCCATCTTCGAACCTTCACTAT[C>G]AGTTGGAACAGAGGCTGACAACTTCACAGTTCTCAATCTGGCTGTGGCAGTGAGTAGACA-3'

ClinVar aggregate classification (germline): Likely pathogenic (1 of 4 stars; one submission).

Conditions:
Inherited bleeding disorder, platelet-type. Also called: Platelet-type bleeding disorder; Platelet disorder. Identifiers: Orphanet 248326, MedGen C0005818, MeSH D001791, MONDO:0000009.

Allele frequency attached by ClinVar (database versions not stated): TOPMed 0.00009.
gnomAD v4.1: 125 of 1,613,852 alleles (0.0077%); highest among the groups gnomAD compares: Non-Finnish European, 0.01%; no homozygotes.

Submission:

Laboratory for Molecular Medicine, Mass General Brigham Personalized Medicine
Classification: Likely pathogenic for Inherited bleeding disorder, platelet-type. Last evaluated: 2023-03-24. Review status: criteria provided, single submitter. Criteria: ACMG Guidelines, 2015. Collection method: clinical testing. Allele origin: germline. Inheritance: Autosomal recessive inheritance.
Comment: The p.Ser127X variant in CD36 has not been reported in individuals with CD36-related disorder but it has been reported in ClinVar (Variation ID 632008). It has also been identified in 4/68038 European chromosomes by gnomAD v3.1.2. This nonsense variant leads to a premature termination codon at position 127, which is predicted to lead to a truncated or absent protein. Loss of function of the CD36 gene is an established disease mechanism in autosomal recessive Platelet glycoprotein IV deficiency. In summary, although additional studies are required to fully establish its clinical significance, this variant meets criteria to be classified as likely pathogenic for autosomal recessive platelet glycoprotein IV deficiency. ACMG/AMP Criteria applied: ACMG: PVS1, PM2_Supporting